The following is an entry in ClinVar:

NM_198965.2(PTHLH):c.55G>T (p.Ala19Ser)

Gene: PTHLH (parathyroid hormone like hormone; minus strand). Cytogenetic location: 12p11.22.
Variant type: single nucleotide variant.
Coding change: c.55G>T on transcript NM_198965.2 (MANE Select); coding-DNA position 55, G replaced by T.
Protein change: p.Ala19Ser; replaces alanine 19 with serine.
Molecular consequence: missense variant.
Genome position (GRCh38, 1-based): chr12:27,969,440, C>A on the plus strand (G>T on the coding strand, the complement: PTHLH is on the minus strand). VCF-style: chr12-27969440-C-A. GRCh37 (hg19) VCF-style: chr12-28122373-C-A.
Other names: c.55G>T, p.Ala19Ser (NM_002820.3, NM_198964.2, NM_198966.2); short protein forms A19S.
Identifiers: ClinVar variation 4699548 (VCV004699548.1).

ClinVar aggregate classification (germline): Uncertain significance (1 of 4 stars; one submission).

gnomAD v4.1: 21 of 1,595,412 alleles (0.0013%); highest among the groups gnomAD compares: South Asian, 0.021%; no homozygotes.

Submission:

Labcorp Genetics (formerly Invitae), Labcorp
Classification: Uncertain significance. Last evaluated: 2025-02-13. Review status: criteria provided, single submitter. Criteria: Invitae Variant Classification Sherloc (09022015). Collection method: clinical testing. Allele origin: germline.
Comment: This sequence change replaces alanine, which is neutral and non-polar, with serine, which is neutral and polar, at codon 19 of the PTHLH protein (p.Ala19Ser). The frequency data for this variant in the population databases is considered unreliable, as metrics indicate poor data quality at this position in the gnomAD database. This variant has not been reported in the literature in individuals affected with PTHLH-related conditions. An algorithm developed to predict the effect of missense changes on protein structure and function outputs the following: PolyPhen-2: "Benign". The serine amino acid residue is found in multiple mammalian species, which suggests that this missense change does not adversely affect protein function. In summary, the available evidence is currently insufficient to determine the role of this variant in disease. Therefore, it has been classified as a Variant of Uncertain Significance.